The following is an entry in ClinVar:

ClinVar aggregate classification (germline): Benign. Review status: criteria provided, multiple submitters, no conflicts (2 of 4 stars). 6 submissions from 6 submitters: Benign (5). 1 of the submissions does not count toward it. Last evaluated 2026-02-03.

Conditions:
Tay-Sachs disease, variant AB. Also called: Gm2-gangliosidosis, ab variant; GM2 Activator Deficiency. Identifiers: Orphanet 309246, MedGen C0268275, MONDO:0010099, OMIM 272750.

Allele frequency attached by ClinVar (database versions not stated): ESP Exome Variant Server 0.02745; gnomAD 0.03595 and 0.04006; gnomAD exomes 0.03984 and 0.06065; TOPMed 0.04162; ExAC 0.05748; 1000 Genomes Project 30x 0.07901; 1000 Genomes Project 0.08007.
gnomAD v4.1: 64,833 of 1,613,552 alleles (4%); highest among the groups gnomAD compares: East Asian, 20%; 2,409 homozygotes.

Submissions (6):

Labcorp Genetics (formerly Invitae), Labcorp
Classification: Benign for Tay-Sachs disease, variant AB. Last evaluated: 2026-02-03. Review status: criteria provided, single submitter. Criteria: Invitae Variant Classification Sherloc (09022015). Collection method: clinical testing. Allele origin: germline.

GeneDx
Classification: Benign. Last evaluated: 2021-06-09. Review status: criteria provided, single submitter. Criteria: GeneDx Variant Classification Process June 2021. Collection method: clinical testing. Allele origin: germline. Affected: yes.

Illumina Laboratory Services, Illumina
Classification: Benign for Tay-Sachs disease, variant AB. Last evaluated: 2018-01-13. Review status: criteria provided, single submitter. Criteria: ICSL Variant Classification Criteria 13 December 2019. Collection method: clinical testing. Allele origin: germline.
Comment: This variant was observed in the ICSL laboratory as part of a predisposition screen in an ostensibly healthy population. It had not been previously curated by ICSL or reported in the Human Gene Mutation Database (HGMD: prior to June 1st, 2018), and was therefore a candidate for classification through an automated scoring system. Utilizing variant allele frequency, disease prevalence and penetrance estimates, and inheritance mode, an automated score was calculated to assess if this variant is too frequent to cause the disease. Based on the score and internal cut-off values, a variant classified as benign is not then subjected to further curation. The score for this variant resulted in a classification of benign for this disease.

Eurofins Ntd Llc (ga)
Classification: Benign. Last evaluated: 2015-11-03. Review status: criteria provided, single submitter. Criteria: EGL Classification Definitions 2015. Collection method: clinical testing. Allele origin: germline. Observed: 1 variant allele, 1 homozygote.

PreventionGenetics, part of Exact Sciences
Classification: Benign. Review status: criteria provided, single submitter. Criteria: ACMG Guidelines, 2015. Collection method: clinical testing. Allele origin: germline.

Mayo Clinic Laboratories, Mayo Clinic
Classification: Benign. Last evaluated: 2015-12-15. Review status: no assertion criteria provided. Collection method: clinical testing. Allele origin: unknown. Not counted in ClinVar's aggregate classification.

NM_000405.5(GM2A):c.55G>A (p.Ala19Thr)

Gene: GM2A (ganglioside GM2 activator; plus strand). Cytogenetic location: 5q33.1.
Variant type: single nucleotide variant.
Coding change: c.55G>A on transcript NM_000405.5 (MANE Select); coding-DNA position 55, G replaced by A.
Protein change: p.Ala19Thr; replaces alanine 19 with threonine.
Molecular consequence: missense variant.
Genome position (GRCh38, 1-based): chr5:151,253,271, G>A. VCF-style: chr5-151253271-G-A. GRCh37 (hg19) VCF-style: chr5-150632832-G-A.
Other names: c.55G>A, p.Ala19Thr (NM_001167607.3); short protein forms A19T.
Identifiers: ClinVar variation 256030 (VCV000256030.20), dbSNP rs1048719, ClinGen allele CA3517840.